The following is an entry in ClinVar:

NM_017636.4(TRPM4):c.858+3A>G

Gene: TRPM4 (transient receptor potential cation channel subfamily M member 4; plus strand). Cytogenetic location: 19q13.33.
Variant type: single nucleotide variant.
Coding change: c.858+3A>G on transcript NM_017636.4 (MANE Select); 3 bases into the intron after coding-DNA position 858, A replaced by G.
Molecular consequence: intron variant.
Genome position (GRCh38, 1-based): chr19:49,171,421, A>G. VCF-style: chr19-49171421-A-G. GRCh37 (hg19) VCF-style: chr19-49674678-A-G.
Other names: c.858+3A>G (NM_001195227.2); c.-696+3A>G (NM_001321282.2); c.513+3A>G (NM_001321281.2); c.336+3A>G (NM_001321283.2); c.9+3A>G (NM_001321285.2).
Identifiers: ClinVar variation 1489237 (VCV001489237.6), dbSNP rs1967449396, ClinGen allele CA2573156647.
Genomic context (GRCh38, chr19:49,171,421, plus strand): 5'-TGGAATTGACATCCCTGTCCTGCTCCTCCTGATTGATGGTGATGAGAAGATGTTGACGGT[A>G]TAGGGGCCCGGATGCCCGGATCTAAGGGGGAAGGAGGGTTGGGGGCCAGGACTCCTGGGT-3'

ClinVar aggregate classification (germline): Uncertain significance (1 of 4 stars; one submission).

Conditions:
Progressive familial heart block type IB (PFHB1B). Identifiers: Orphanet 871, MedGen C1970298, MONDO:0011474, OMIM 604559.

Allele frequency attached by ClinVar (database versions not stated): gnomAD 0.00001.
gnomAD v4.1: 1 of 1,614,050 alleles (0.000062%); highest among the groups gnomAD compares: Non-Finnish European, 0.000085%; no homozygotes.

Submission:

Labcorp Genetics (formerly Invitae), Labcorp
Classification: Uncertain significance for Progressive familial heart block type IB. Last evaluated: 2022-07-19. Review status: criteria provided, single submitter. Criteria: Invitae Variant Classification Sherloc (09022015). Collection method: clinical testing. Allele origin: germline.
Comment: ClinVar contains an entry for this variant (Variation ID: 1489237). In summary, the available evidence is currently insufficient to determine the role of this variant in disease. Therefore, it has been classified as a Variant of Uncertain Significance. Variants that disrupt the consensus splice site are a relatively common cause of aberrant splicing (PMID: 17576681, 9536098). Algorithms developed to predict the effect of sequence changes on RNA splicing suggest that this variant may disrupt the consensus splice site. This variant has not been reported in the literature in individuals affected with TRPM4-related conditions. This variant is not present in population databases (gnomAD no frequency). This sequence change falls in intron 7 of the TRPM4 gene. It does not directly change the encoded amino acid sequence of the TRPM4 protein. It affects a nucleotide within the consensus splice site.

Literature cited by the submitters: PubMed 17576681; PubMed 9536098.